The following is an entry in ClinVar:

NM_001142800.2(EYS):c.6004G>A (p.Val2002Ile)

Gene: EYS (EGF-like photoreceptor maintenance factor; minus strand). Cytogenetic location: 6q12.
Variant type: single nucleotide variant.
Coding change: c.6004G>A on transcript NM_001142800.2 (MANE Select); coding-DNA position 6004, G replaced by A.
Protein change: p.Val2002Ile; replaces valine 2002 with isoleucine.
Molecular consequence: missense variant.
Genome position (GRCh38, 1-based): chr6:64,388,764, C>T on the plus strand (G>A on the coding strand, the complement: EYS is on the minus strand). VCF-style: chr6-64388764-C-T. GRCh37 (hg19) VCF-style: chr6-65098657-C-T.
Other names: c.6004G>A, p.Val2002Ile (NM_001292009.2); short protein forms V2002I.
Identifiers: ClinVar variation 1408627 (VCV001408627.8), dbSNP rs1476439486, ClinGen allele CA364392089.
Genomic context (GRCh38, chr6:64,388,764, plus strand): 5'-GAAGGTCTGGAAATCCACCAATGAAGACAGATCCTGATTTTGGCAGGGGTTTTCCGAGTA[C>T]ATGATTGATAGATTCGCATATTTGTGTATTCCTCCCTAAAATAGTCAGCTCAGCGTTACA-3'
Protein context (NP_001136272.1, residues 1992-2012): NTQICESINH[Val2002Ile]LGKPLPKSGS

ClinVar aggregate classification (germline): Uncertain significance (1 of 4 stars; one submission).

Allele frequency attached by ClinVar (database versions not stated): gnomAD exomes below 0.00001; TOPMed below 0.00001; gnomAD 0.00001.
gnomAD v4.1: 3 of 1,545,190 alleles (0.00019%); highest among the groups gnomAD compares: East Asian, 0.0025%; no homozygotes.

Submission:

Labcorp Genetics (formerly Invitae), Labcorp
Classification: Uncertain significance. Last evaluated: 2024-01-22. Review status: criteria provided, single submitter. Criteria: Invitae Variant Classification Sherloc (09022015). Collection method: clinical testing. Allele origin: germline.
Comment: This sequence change replaces valine, which is neutral and non-polar, with isoleucine, which is neutral and non-polar, at codon 2002 of the EYS protein (p.Val2002Ile). The frequency data for this variant in the population databases is considered unreliable, as metrics indicate poor data quality at this position in the gnomAD database. This variant has not been reported in the literature in individuals affected with EYS-related conditions. ClinVar contains an entry for this variant (Variation ID: 1408627). Algorithms developed to predict the effect of missense changes on protein structure and function output the following: SIFT: "Not Available"; PolyPhen-2: "Benign"; Align-GVGD: "Not Available". The isoleucine amino acid residue is found in multiple mammalian species, which suggests that this missense change does not adversely affect protein function. In summary, the available evidence is currently insufficient to determine the role of this variant in disease. Therefore, it has been classified as a Variant of Uncertain Significance.